The following is an entry in ClinVar:

ClinVar aggregate classification (germline): Uncertain significance (1 of 4 stars; one submission).

Conditions:
PLXNA4-related disorder. Also called: PLXNA4-related condition.

Submission:

PreventionGenetics, part of Exact Sciences
Classification: Uncertain significance for PLXNA4-related condition. Last evaluated: 2025-04-24. Review status: criteria provided, single submitter. Criteria: ACMG Guidelines, 2015. Collection method: clinical testing. Allele origin: germline.
Comment: The PLXNA4 c.1402A>T variant is predicted to result in the amino acid substitution p.Thr468Ser. In the primary transcript (NM_020911.1), this variant is located in an intronic region (c.1371+4309A>T). To our knowledge, this variant has not been reported in the literature or in a large population database (gnomAD), indicating this variant is rare. At this time, the clinical significance of this variant is uncertain due to the absence of conclusive functional and genetic evidence.

NM_020911.2(PLXNA4):c.1371+4309A>T

Gene: PLXNA4 (plexin A4; minus strand). Cytogenetic location: 7q32.3.
Variant type: single nucleotide variant.
Coding change: c.1371+4309A>T on transcript NM_020911.2 (MANE Select); 4309 bases into the intron after coding-DNA position 1371, A replaced by T.
Molecular consequence: intron variant. On other transcripts: missense variant (1).
Genome position (GRCh38, 1-based): chr7:132,484,983, T>A on the plus strand (A>T on the coding strand, the complement: PLXNA4 is on the minus strand). VCF-style: chr7-132484983-T-A. GRCh37 (hg19) VCF-style: chr7-132169742-T-A.
Other names: c.1402A>T, p.Thr468Ser (NM_181775.4); c.1371+4309A>T (NM_001393897.1, NM_001105543.2); short protein forms T468S.
Identifiers: ClinVar variation 5002048 (VCV005002048.1).